The following is an entry in ClinVar:

NM_022082.4(SLC17A9):c.1012T>C (p.Ser338Pro)

Gene: SLC17A9 (solute carrier family 17 member 9; plus strand). Cytogenetic location: 20q13.33.
Variant type: single nucleotide variant.
Coding change: c.1012T>C on transcript NM_022082.4 (MANE Select); coding-DNA position 1012, T replaced by C.
Protein change: p.Ser338Pro; replaces serine 338 with proline.
Molecular consequence: missense variant.
Genome position (GRCh38, 1-based): chr20:62,965,676, T>C. VCF-style: chr20-62965676-T-C. GRCh37 (hg19) VCF-style: chr20-61597028-T-C.
Other names: c.994T>C, p.Ser332Pro (NM_001302643.2); short protein forms S332P, S338P.
Identifiers: ClinVar variation 1031327 (VCV001031327.1), dbSNP rs1430449127, ClinGen allele CA409605354.

ClinVar aggregate classification (germline): Uncertain significance (1 of 4 stars; one submission).

Conditions:
Porokeratosis 8, disseminated superficial actinic type (POROK8). Identifiers: Orphanet 79152, MedGen C4015128, MONDO:0014479, OMIM 616063.

Allele frequency attached by ClinVar (database versions not stated): gnomAD exomes below 0.00001; TOPMed below 0.00001 and 0.00001.
gnomAD v4.1: 2 of 1,613,940 alleles (0.00012%); highest among the groups gnomAD compares: Admixed American, 0.0017%; no homozygotes.

Submission:

Baylor Genetics
Classification: Uncertain significance for Porokeratosis 8, disseminated superficial actinic type. Last evaluated: 2018-05-30. Review status: criteria provided, single submitter. Criteria: ACMG Guidelines, 2015. Collection method: clinical testing. Allele origin: paternal. Affected: yes.
Comment: This variant was determined to be of uncertain significance according to ACMG Guidelines, 2015 [PMID:25741868].